The following is an entry in ClinVar:

ClinVar aggregate classification (germline): Conflicting classifications of pathogenicity. Review status: criteria provided, conflicting classifications (1 of 4 stars). 4 submissions from 4 submitters: Uncertain significance (3); Likely benign (1). Last evaluated 2024-08-06.

Conditions:
Hereditary cancer-predisposing syndrome. Also called: Neoplastic Syndromes, Hereditary; Tumor predisposition; Hereditary neoplastic syndrome; Hereditary Cancer Syndrome. Identifiers: Orphanet 140162, MedGen C0027672, MeSH D009386, MONDO:0015356.
Hereditary breast ovarian cancer syndrome. Also called: BRCA1- and BRCA2-Associated Hereditary Breast and Ovarian Cancer; Hereditary breast and ovarian cancer; Hereditary breast and ovarian cancer syndrome; Hereditary breast and ovarian cancer syndrome (HBOC); Breast and ovarian cancer; Hereditary breast and/or ovarian cancer syndrome. Identifiers: Orphanet 145, MedGen C0677776, MeSH D061325, MONDO:0003582. Disease mechanism: loss of function.

Allele frequency attached by ClinVar (database versions not stated): gnomAD exomes below 0.00001.
gnomAD v4.1: 1 of 1,613,924 alleles (0.000062%); highest among the groups gnomAD compares: East Asian, 0.0022%; no homozygotes.

Submissions (4):

Labcorp Genetics (formerly Invitae), Labcorp
Classification: Uncertain significance for Hereditary breast ovarian cancer syndrome. Last evaluated: 2024-08-06. Review status: criteria provided, single submitter. Criteria: Invitae Variant Classification Sherloc (09022015). Collection method: clinical testing. Allele origin: germline.
Comment: This sequence change replaces valine, which is neutral and non-polar, with isoleucine, which is neutral and non-polar, at codon 783 of the BRCA2 protein (p.Val783Ile). This variant is not present in population databases (gnomAD no frequency). This variant has not been reported in the literature in individuals affected with BRCA2-related conditions. ClinVar contains an entry for this variant (Variation ID: 1351993). Advanced modeling of protein sequence and biophysical properties (such as structural, functional, and spatial information, amino acid conservation, physicochemical variation, residue mobility, and thermodynamic stability) performed at Invitae indicates that this missense variant is not expected to disrupt BRCA2 protein function with a negative predictive value of 95%. In summary, the available evidence is currently insufficient to determine the role of this variant in disease. Therefore, it has been classified as a Variant of Uncertain Significance.

Ambry Genetics
Classification: Uncertain significance for Hereditary cancer-predisposing syndrome. Last evaluated: 2023-04-21. Review status: criteria provided, single submitter. Criteria: Ambry Variant Classification Scheme 2023. Collection method: clinical testing. Allele origin: germline.
Comment: The p.V783I variant (also known as c.2347G>A), located in coding exon 10 of the BRCA2 gene, results from a G to A substitution at nucleotide position 2347. The valine at codon 783 is replaced by isoleucine, an amino acid with highly similar properties. This alteration was identified amongst a cohort of 3984 Chinese women with a breast cancer diagnosis undergoing BRCA1/2 genetic testing (Yao L et al. J Hum Genet, 2022 Nov;67:639-642). This amino acid position is not well conserved in available vertebrate species. In addition, this alteration is predicted to be tolerated by in silico analysis. Since supporting evidence is limited at this time, the clinical significance of this alteration remains unclear.

University of Washington Department of Laboratory Medicine, University of Washington
Classification: Likely benign for Hereditary cancer-predisposing syndrome. Last evaluated: 2023-03-23. Review status: criteria provided, single submitter. Criteria: Dines et al. (Genet Med. 2020). Collection method: curation. Allele origin: germline.
Comment: Missense variant in a coldspot region where missense variants are very unlikely to be pathogenic (PMID:31911673).

BRCA2 exon 11 coldspot. Reclassification based on statistical prior probability.

Sema4
Classification: Uncertain significance for Hereditary cancer-predisposing syndrome. Last evaluated: 2021-06-28. Review status: criteria provided, single submitter. Criteria: Sema4 Curation Guidelines. Collection method: curation. Allele origin: germline.
Comment: The BRCA2 c.2347G>A (p.V783I) variant has not been reported in the literature to our knowledge. This variant was not observed in the large and broad cohorts of the Genome Aggregation Database (PMID: 32461654). This variant has not been reported in ClinVar. In silico tools suggest the impact of the variant on protein function is inconclusive, although a study assessing BRCA1/2 variants by function and in silico analyses predicts the variant to be neutral (PMID 29884841). The overall evidence is insufficient to meet ACMG/AMP criteria for classifying it as benign or pathogenic. In summary, the clinical significance of this variant is currently uncertain.

Literature cited by the submitters: PubMed 35864222 (cited by Ambry Genetics); PubMed 29884841 (cited by Sema4).

NM_000059.4(BRCA2):c.2347G>A (p.Val783Ile)

Gene: BRCA2 (BRCA2 DNA repair associated; plus strand). Cytogenetic location: 13q13.1.
Variant type: single nucleotide variant.
Coding change: c.2347G>A on transcript NM_000059.4 (MANE Select); coding-DNA position 2347, G replaced by A.
Protein change: p.Val783Ile; replaces valine 783 with isoleucine.
Molecular consequence: missense variant.
Genome position (GRCh38, 1-based): chr13:32,336,702, G>A. VCF-style: chr13-32336702-G-A. GRCh37 (hg19) VCF-style: chr13-32910839-G-A.
Other names: short protein forms V783I.
Identifiers: ClinVar variation 1351993 (VCV001351993.12), dbSNP rs1566226546, ClinGen allele CA387771616.